The following is an entry in ClinVar:

NM_016239.4(MYO15A):c.9303+5G>A

Gene: MYO15A (myosin XVA; plus strand). Cytogenetic location: 17p11.2.
Variant type: single nucleotide variant.
Coding change: c.9303+5G>A on transcript NM_016239.4 (MANE Select); 5 bases into the intron after coding-DNA position 9303, G replaced by A.
Molecular consequence: intron variant.
Genome position (GRCh38, 1-based): chr17:18,159,684, G>A. VCF-style: chr17-18159684-G-A. GRCh37 (hg19) VCF-style: chr17-18062998-G-A.
Identifiers: ClinVar variation 523518 (VCV000523518.4), dbSNP rs1555547215, ClinGen allele CA658798725.

ClinVar aggregate classification (germline): Conflicting classifications of pathogenicity. Review status: criteria provided, conflicting classifications (1 of 4 stars). 3 submissions from 3 submitters: Likely pathogenic (1); Uncertain significance (2). Last evaluated 2024-11-08.

Conditions:
Hearing loss, autosomal recessive. Also called: Nonsyndromic Hearing Loss, Recessive; Deafness, autosomal recessive; Rare autosomal recessive non-syndromic sensorineural deafness type DFNB; Autosomal recessive nonsyndromic deafness. Identifiers: Orphanet 90635, Orphanet 90636, MedGen C1846647, MONDO:0019588, OMIM 607197.
Congenital sensorineural hearing impairment. Identifiers: MedGen C1865866, HP:0008527.

Allele frequency attached by ClinVar (database versions not stated): TOPMed below 0.00001; gnomAD exomes 0.00001.
gnomAD v4.1: 13 of 1,614,114 alleles (0.00081%); highest among the groups gnomAD compares: Non-Finnish European, 0.001%; no homozygotes.

Submissions (3):

Center for Statistical Genetics, Columbia University
Classification: Likely pathogenic for Hearing loss, autosomal recessive. Last evaluated: 2024-11-08. Review status: criteria provided, single submitter. Criteria: ACMG Guidelines, 2015. Collection method: research. Allele origin: germline. Inheritance: Autosomal recessive inheritance. Affected: yes. Observed: 2 compound heterozygotes.

Labcorp Genetics (formerly Invitae), Labcorp
Classification: Uncertain significance. Last evaluated: 2022-09-02. Review status: criteria provided, single submitter. Criteria: Invitae Variant Classification Sherloc (09022015). Collection method: clinical testing. Allele origin: germline.
Comment: This sequence change falls in intron 55 of the MYO15A gene. It does not directly change the encoded amino acid sequence of the MYO15A protein. It affects a nucleotide within the consensus splice site. This variant is not present in population databases (gnomAD no frequency). This variant has been observed in individual(s) with deafness (Invitae). In at least one individual the data is consistent with being in trans (on the opposite chromosome) from a pathogenic variant. ClinVar contains an entry for this variant (Variation ID: 523518). Variants that disrupt the consensus splice site are a relatively common cause of aberrant splicing (PMID: 17576681, 9536098). Algorithms developed to predict the effect of sequence changes on RNA splicing suggest that this variant may disrupt the consensus splice site. In summary, the available evidence is currently insufficient to determine the role of this variant in disease. Therefore, it has been classified as a Variant of Uncertain Significance.

Centre for Mendelian Genomics, University Medical Centre Ljubljana
Classification: Uncertain significance for Congenital sensorineural hearing impairment. Last evaluated: 2017-01-01. Review status: criteria provided, single submitter. Criteria: ACMG Guidelines, 2015. Collection method: clinical testing. Allele origin: unknown. Affected: yes.

Literature cited by the submitters: PubMed 17576681 (cited by Labcorp Genetics (formerly Invitae), Labcorp); PubMed 9536098 (cited by Labcorp Genetics (formerly Invitae), Labcorp).